The following is an entry in ClinVar:

NM_007215.4(POLG2):c.1297G>T (p.Asp433Tyr)

Genes: MILR1 (mast cell immunoglobulin like receptor 1; plus strand), POLG2 (DNA polymerase gamma 2, accessory subunit; minus strand). Cytogenetic location: 17q23.3.
Variant type: single nucleotide variant.
Coding change: c.1297G>T on transcript NM_007215.4 (MANE Select); coding-DNA position 1297, G replaced by T.
Protein change: p.Asp433Tyr; replaces aspartic acid 433 with tyrosine.
Molecular consequence: missense variant.
Genome position (GRCh38, 1-based): chr17:64,477,984, C>A on the plus strand (G>T on the coding strand, the complement: POLG2 is on the minus strand). VCF-style: chr17-64477984-C-A. GRCh37 (hg19) VCF-style: chr17-62474101-C-A.
Other names: D433Y.
Identifiers: ClinVar variation 1180427 (VCV001180427.6), dbSNP rs2144120492, ClinGen allele CA400635640.

ClinVar aggregate classification (germline): Uncertain significance. Review status: criteria provided, single submitter (1 of 4 stars). 2 submissions from 2 submitters: Uncertain significance (1). 1 of the submissions does not count toward it. Last evaluated 2025-11-17.

Conditions:
Mitochondrial dna depletion syndrome 16B (neuroophthalmic type). Identifiers: MedGen C5543632, MONDO:0030326, OMIM 619425.

Allele frequency attached by ClinVar (database versions not stated): gnomAD exomes below 0.00001.
gnomAD v4.1: 2 of 1,613,586 alleles (0.00012%); highest among the groups gnomAD compares: Non-Finnish European, 0.00017%; no homozygotes.

Submissions (2):

Labcorp Genetics (formerly Invitae), Labcorp
Classification: Uncertain significance. Last evaluated: 2025-11-17. Review status: criteria provided, single submitter. Criteria: Invitae Variant Classification Sherloc (09022015). Collection method: clinical testing. Allele origin: germline.
Comment: This sequence change replaces aspartic acid, which is acidic and polar, with tyrosine, which is neutral and polar, at codon 433 of the POLG2 protein (p.Asp433Tyr). This variant is not present in population databases (gnomAD no frequency). This missense change has been observed in individual(s) with POLG2-related conditions (PMID: 31778857). ClinVar contains an entry for this variant (Variation ID: 1180427). An algorithm developed to predict the effect of missense changes on protein structure and function (PolyPhen-2) suggests that this variant is likely to be disruptive. Algorithms developed to predict the effect of sequence changes on RNA splicing suggest that this variant may disrupt the consensus splice site. In summary, the available evidence is currently insufficient to determine the role of this variant in disease. Therefore, it has been classified as a Variant of Uncertain Significance.

OMIM
Classification: Pathogenic for MITOCHONDRIAL DNA DEPLETION SYNDROME 16B (NEUROOPHTHALMIC TYPE) (1 patient). Last evaluated: 2021-07-16. Review status: no assertion criteria provided. Collection method: literature only. Allele origin: germline. Not counted in ClinVar's aggregate classification.

Literature cited by the submitters: PubMed 31778857 (cited by Labcorp Genetics (formerly Invitae), Labcorp); Dosekova, P., Dubiel, A., Karlowicz, A., Zietkiewicz, S., Rydzanicz, M., Habalova, V., Pienkowski, V. M., Skirkova, M., Han, V., Mosejova, A., Gdovinova, Z., Kaliszewska, M., Tonska, K., Szymanski, M. R., Skorvanek, M., Ploski, R. Whole exome sequencing identifies a homozygous POLG2 missense variant in an adult patient presenting with optic atrophy, movement disorders, premature ovarian failure and mitochondrial DNA depletion. Europ. J. Med. Genet. 63: 103821, 2020. (cited by OMIM).